The following is an entry in ClinVar:

ClinVar aggregate classification (germline): Uncertain significance (1 of 4 stars; one submission).

Allele frequency attached by ClinVar (database versions not stated): gnomAD exomes below 0.00001 and 0.00001; TOPMed below 0.00001.

Submission:

Labcorp Genetics (formerly Invitae), Labcorp
Classification: Uncertain significance. Last evaluated: 2022-11-22. Review status: criteria provided, single submitter. Criteria: Invitae Variant Classification Sherloc (09022015). Collection method: clinical testing. Allele origin: germline.
Comment: This sequence change replaces proline, which is neutral and non-polar, with alanine, which is neutral and non-polar, at codon 82 of the COL9A3 protein (p.Pro82Ala). This variant is present in population databases (no rsID available, gnomAD 0.0009%). This variant has not been reported in the literature in individuals affected with COL9A3-related conditions. ClinVar contains an entry for this variant (Variation ID: 1410557). Advanced modeling of protein sequence and biophysical properties (such as structural, functional, and spatial information, amino acid conservation, physicochemical variation, residue mobility, and thermodynamic stability) performed at Invitae indicates that this missense variant is not expected to disrupt COL9A3 protein function. In summary, the available evidence is currently insufficient to determine the role of this variant in disease. Therefore, it has been classified as a Variant of Uncertain Significance.

NM_001853.4(COL9A3):c.244C>G (p.Pro82Ala)

Gene: COL9A3 (collagen type IX alpha 3 chain; plus strand). Cytogenetic location: 20q13.33.
Variant type: single nucleotide variant.
Coding change: c.244C>G on transcript NM_001853.4 (MANE Select); coding-DNA position 244, C replaced by G.
Protein change: p.Pro82Ala; replaces proline 82 with alanine.
Molecular consequence: missense variant.
Genome position (GRCh38, 1-based): chr20:62,819,282, C>G. VCF-style: chr20-62819282-C-G. GRCh37 (hg19) VCF-style: chr20-61450634-C-G.
Other names: short protein forms P82A.
Identifiers: ClinVar variation 1410557 (VCV001410557.6), dbSNP rs1010921416, ClinGen allele CA317322728.